The following is an entry in ClinVar:

NM_000023.4(SGCA):c.341A>C (p.Asp114Ala)

Gene: SGCA (sarcoglycan alpha; plus strand). Cytogenetic location: 17q21.33.
Variant type: single nucleotide variant.
Coding change: c.341A>C on transcript NM_000023.4 (MANE Select); coding-DNA position 341, A replaced by C.
Protein change: p.Asp114Ala; replaces aspartic acid 114 with alanine.
Molecular consequence: missense variant. On other transcripts: non-coding transcript variant (1).
Genome position (GRCh38, 1-based): chr17:50,167,975, A>C. VCF-style: chr17-50167975-A-C. GRCh37 (hg19) VCF-style: chr17-48245336-A-C.
Other names: c.341A>C (NM_000023.2); c.341A>C, p.Asp114Ala (NM_001135697.3); short protein forms D114A.
Identifiers: ClinVar variation 1011962 (VCV001011962.11), dbSNP rs749097695, ClinGen allele CA291536265.
Genomic context (GRCh38, chr17:50,167,975, plus strand): 5'-CCCACTTCTCAGATGTCTTTCCCATCCCCCAGGTCACAGCCTACAATCGGGACAGCTTTG[A>C]TACCACTCGGCAGAGGCTGGTGCTGGAGATTGGGGACCCAGAAGGTACCTCTAGCTGTGC-3'
Protein context (NP_000014.1, residues 104-124): EVTAYNRDSF[Asp114Ala]TTRQRLVLEI

ClinVar aggregate classification (germline): Uncertain significance. Review status: criteria provided, multiple submitters, no conflicts (2 of 4 stars). 5 submissions from 5 submitters: Uncertain significance (4). 1 of the submissions does not count toward it. Last evaluated 2024-04-18.

Conditions:
Autosomal recessive limb-girdle muscular dystrophy type 2D (LGMDR3). Also called: DUCHENNE-LIKE AUTOSOMAL RECESSIVE MUSCULAR DYSTROPHY, TYPE 2; MUSCULAR DYSTROPHY, LIMB-GIRDLE, AUTOSOMAL RECESSIVE 3; ADHALINOPATHY, PRIMARY. Identifiers: Orphanet 62, MedGen C2936332, MONDO:0011968, OMIM 608099. Disease mechanism: Affects gamma-sarcoglycan and also disrupts the integrity of the entire sarcoglycan complex..
Inborn genetic diseases. Identifiers: MedGen C0950123, MeSH D030342.

Allele frequency attached by ClinVar (database versions not stated): TOPMed 0.00002.
gnomAD v4.1: 81 of 1,614,074 alleles (0.005%); highest among the groups gnomAD compares: Non-Finnish European, 0.0066%; no homozygotes.

Submissions (5):

Blueprint Genetics
Classification: Uncertain significance. Last evaluated: 2024-04-18. Review status: criteria provided, single submitter. Criteria: ACMG Guidelines, 2015. Collection method: clinical testing. Allele origin: germline.

Genome-Nilou Lab
Classification: Uncertain significance for Autosomal recessive limb-girdle muscular dystrophy type 2D. Last evaluated: 2023-02-08. Review status: criteria provided, single submitter. Criteria: ACMG Guidelines, 2015. Collection method: clinical testing. Allele origin: germline.

Ambry Genetics
Classification: Uncertain significance for Inborn genetic diseases. Last evaluated: 2022-02-17. Review status: criteria provided, single submitter. Criteria: Ambry Variant Classification Scheme 2023. Collection method: clinical testing. Allele origin: germline.

Labcorp Genetics (formerly Invitae), Labcorp
Classification: Uncertain significance for Autosomal recessive limb-girdle muscular dystrophy type 2D. Last evaluated: 2021-09-01. Review status: criteria provided, single submitter. Criteria: Invitae Variant Classification Sherloc (09022015). Collection method: clinical testing. Allele origin: germline.
Comment: This sequence change replaces aspartic acid with alanine at codon 114 of the SGCA protein (p.Asp114Ala). The aspartic acid residue is moderately conserved and there is a moderate physicochemical difference between aspartic acid and alanine. This variant is not present in population databases (ExAC no frequency). This variant has not been reported in the literature in individuals affected with SGCA-related conditions. Algorithms developed to predict the effect of missense changes on protein structure and function are either unavailable or do not agree on the potential impact of this missense change (SIFT: "Deleterious"; PolyPhen-2: "Benign"; Align-GVGD: "Class C25"). In summary, the available evidence is currently insufficient to determine the role of this variant in disease. Therefore, it has been classified as a Variant of Uncertain Significance.

Natera, Inc.
Classification: Uncertain significance for Limb-girdle muscular dystrophy type 2D. Last evaluated: 2020-07-31. Review status: no assertion criteria provided. Collection method: clinical testing. Allele origin: germline. Not counted in ClinVar's aggregate classification.